The following is an entry in ClinVar:

NM_032856.5(WDR73):c.1132C>A (p.Arg378Ser)

Gene: WDR73 (WD repeat domain 73; minus strand). Cytogenetic location: 15q25.2.
Variant type: single nucleotide variant.
Coding change: c.1132C>A on transcript NM_032856.5 (MANE Select); coding-DNA position 1132, C replaced by A.
Protein change: p.Arg378Ser; replaces arginine 378 with serine.
Molecular consequence: missense variant. On other transcripts: non-coding transcript variant (4).
Genome position (GRCh38, 1-based): chr15:84,643,475, G>T on the plus strand (C>A on the coding strand, the complement: WDR73 is on the minus strand). VCF-style: chr15-84643475-G-T. GRCh37 (hg19) VCF-style: chr15-85186706-G-T.
Other names: p.Arg378Ser; c.1132C>A (NM_032856.4); short protein forms R378S.
Identifiers: ClinVar variation 1911057 (VCV001911057.6), dbSNP rs376622127, ClinGen allele CA7707136.
Genomic context (GRCh38, chr15:84,643,475, plus strand): 5'-TGCTACTACAGCAGCTCCTCCCCTTTCTAGAGGCCTAGATGGAAAGATGCTGGTGTCAGC[G>T]GGGGGCACAAAGGTCCACCCAGTCCCACACATGCAGAGAGGCATCATTTGTTGCTGATAA-3'
Protein context (NP_116245.2, residues 368-378): VWDWVDLCAP[Arg378Ser]

ClinVar aggregate classification (germline): Uncertain significance. Review status: criteria provided, multiple submitters, no conflicts (2 of 4 stars). 2 submissions from 2 submitters: Uncertain significance (2). Last evaluated 2025-01-23.

Conditions:
Galloway-Mowat syndrome 1 (GAMOS1). Identifiers: Orphanet 2065, Orphanet 83472, MedGen C4551772, MONDO:0033005, OMIM 251300.

Allele frequency attached by ClinVar (database versions not stated): ESP Exome Variant Server 0.00015.
gnomAD v4.1: 93 of 1,551,240 alleles (0.006%); highest among the groups gnomAD compares: Non-Finnish European, 0.0078%; no homozygotes.

Submissions (2):

Labcorp Genetics (formerly Invitae), Labcorp
Classification: Uncertain significance. Last evaluated: 2025-01-23. Review status: criteria provided, single submitter. Criteria: Invitae Variant Classification Sherloc (09022015). Collection method: clinical testing. Allele origin: germline.
Comment: This sequence change replaces arginine, which is basic and polar, with serine, which is neutral and polar, at codon 378 of the WDR73 protein (p.Arg378Ser). This variant is present in population databases (rs376622127, gnomAD 0.02%). This variant has not been reported in the literature in individuals affected with WDR73-related conditions. ClinVar contains an entry for this variant (Variation ID: 1911057). An algorithm developed to predict the effect of missense changes on protein structure and function outputs the following: PolyPhen-2: "Possibly Damaging". The serine amino acid residue is found in multiple mammalian species, which suggests that this missense change does not adversely affect protein function. In summary, the available evidence is currently insufficient to determine the role of this variant in disease. Therefore, it has been classified as a Variant of Uncertain Significance.

Mayo Clinic Laboratories, Mayo Clinic
Classification: Uncertain significance. Last evaluated: 2024-11-19. Review status: criteria provided, single submitter. Criteria: ACMG Guidelines, 2015. Collection method: clinical testing. Allele origin: germline. Observed: 1 variant allele.
Comment: BP4